The following is an entry in ClinVar:

NM_015378.4(VPS13D):c.2537C>T (p.Thr846Ile)

Gene: VPS13D (vacuolar protein sorting 13 homolog D; plus strand). Cytogenetic location: 1p36.22.
Variant type: single nucleotide variant.
Coding change: c.2537C>T on transcript NM_015378.4 (MANE Select); coding-DNA position 2537, C replaced by T.
Protein change: p.Thr846Ile; replaces threonine 846 with isoleucine.
Molecular consequence: missense variant.
Genome position (GRCh38, 1-based): chr1:12,276,125, C>T. VCF-style: chr1-12276125-C-T. GRCh37 (hg19) VCF-style: chr1-12336182-C-T.
Other names: c.2537C>T, p.Thr846Ile (NM_018156.4); short protein forms T846I.
Identifiers: ClinVar variation 3009933 (VCV003009933.2), dbSNP rs137927165, ClinGen allele CA601833.

ClinVar aggregate classification (germline): Uncertain significance (1 of 4 stars; one submission).

Allele frequency attached by ClinVar (database versions not stated): gnomAD exomes 0.00001; ExAC 0.00002; ESP Exome Variant Server 0.00015.
gnomAD v4.1: 20 of 1,613,966 alleles (0.0012%); highest among the groups gnomAD compares: Non-Finnish European, 0.0015%; no homozygotes.

Submission:

Labcorp Genetics (formerly Invitae), Labcorp
Classification: Uncertain significance. Last evaluated: 2023-02-11. Review status: criteria provided, single submitter. Criteria: Invitae Variant Classification Sherloc (09022015). Collection method: clinical testing. Allele origin: germline.
Comment: This sequence change replaces threonine, which is neutral and polar, with isoleucine, which is neutral and non-polar, at codon 846 of the VPS13D protein (p.Thr846Ile). In summary, the available evidence is currently insufficient to determine the role of this variant in disease. Therefore, it has been classified as a Variant of Uncertain Significance. Advanced modeling of protein sequence and biophysical properties (such as structural, functional, and spatial information, amino acid conservation, physicochemical variation, residue mobility, and thermodynamic stability) performed at Invitae indicates that this missense variant is not expected to disrupt VPS13D protein function. This variant has not been reported in the literature in individuals affected with VPS13D-related conditions. This variant is present in population databases (rs137927165, gnomAD 0.004%).